The following is an entry in ClinVar:

ClinVar aggregate classification (germline): Benign/Likely benign. Review status: criteria provided, multiple submitters, no conflicts (2 of 4 stars). 5 submissions from 5 submitters: Benign (1); Likely benign (3). 1 of the submissions does not count toward it. Last evaluated 2026-01-26.

Conditions:
GPIHBP1-related disorder. Also called: GPIHBP1-related condition.

Allele frequency attached by ClinVar (database versions not stated): 1000 Genomes Project 0.00060; 1000 Genomes Project 30x 0.00062; gnomAD exomes 0.00096; ExAC 0.00099; TOPMed 0.00119; gnomAD 0.00132 and 0.00136; ESP Exome Variant Server 0.00146.
gnomAD v4.1: 3,657 of 1,613,060 alleles (0.23%); highest among the groups gnomAD compares: Non-Finnish European, 0.29%; 8 homozygotes.

Submissions (5):

Labcorp Genetics (formerly Invitae), Labcorp
Classification: Benign. Last evaluated: 2026-01-26. Review status: criteria provided, single submitter. Criteria: Invitae Variant Classification Sherloc (09022015). Collection method: clinical testing. Allele origin: germline.

Mayo Clinic Laboratories, Mayo Clinic
Classification: Likely benign. Last evaluated: 2025-07-29. Review status: criteria provided, single submitter. Criteria: ACMG Guidelines, 2015. Collection method: clinical testing. Allele origin: germline. Observed: 2 variant alleles.
Comment: BS1, BP4, BP7

Molecular Diagnostic Laboratory for Inherited Cardiovascular Disease, Montreal Heart Institute
Classification: Likely benign. Last evaluated: 2025-04-09. Review status: criteria provided, single submitter. Criteria: ACMG Guidelines, 2015. Collection method: clinical testing. Allele origin: germline. Affected: no.

Blueprint Genetics
Classification: Likely benign. Last evaluated: 2024-11-14. Review status: criteria provided, single submitter. Criteria: ACMG Guidelines, 2015. Collection method: clinical testing. Allele origin: germline.

PreventionGenetics, part of Exact Sciences
Classification: Likely benign for GPIHBP1-related condition. Last evaluated: 2024-03-07. Review status: no assertion criteria provided. Collection method: clinical testing. Allele origin: germline. Not counted in ClinVar's aggregate classification.
Comment: This variant is classified as likely benign based on ACMG/AMP sequence variant interpretation guidelines (Richards et al. 2015 PMID: 25741868, with internal and published modifications).

NM_178172.6(GPIHBP1):c.296-9C>T

Gene: GPIHBP1 (glycosylphosphatidylinositol anchored high density lipoprotein binding protein 1; plus strand). Cytogenetic location: 8q24.3.
Variant type: single nucleotide variant.
Coding change: c.296-9C>T on transcript NM_178172.6 (MANE Select); 9 bases into the intron before coding-DNA position 296, C replaced by T.
Molecular consequence: intron variant.
Genome position (GRCh38, 1-based): chr8:143,215,250, C>T. VCF-style: chr8-143215250-C-T. GRCh37 (hg19) VCF-style: chr8-144297125-C-T.
Other names: p.?; c.296-9C>T (NM_001301772.2, NM_178172.5).
Identifiers: ClinVar variation 1624906 (VCV001624906.13), dbSNP rs201256271, ClinGen allele CA4907104.
Genomic context (GRCh38, chr8:143,215,250, plus strand): 5'-CAGAGCCCTGCAGAGCCACCTCAGAGACCCCGCCCATCCTCAGCACTTGTTCCCCACTCC[C>T]CTTCCCAGAGTCAGGCCTCCTGACCACCCACTCCACGTGGTGCACAGACAGCTGCCAGCC-3'